The following is an entry in ClinVar:

ClinVar aggregate classification (germline): Uncertain significance. Review status: criteria provided, multiple submitters, no conflicts (2 of 4 stars). 2 submissions from 2 submitters: Uncertain significance (2). Last evaluated 2022-08-24.

Conditions:
Cardiovascular phenotype. Identifiers: MedGen CN230736.

Submissions (2):

Ambry Genetics
Classification: Uncertain significance for Cardiovascular phenotype. Last evaluated: 2022-08-24. Review status: criteria provided, single submitter. Criteria: Ambry Variant Classification Scheme 2023. Collection method: clinical testing. Allele origin: germline.
Comment: The p.E1040G variant (also known as c.3119A>G), located in coding exon 23 of the DSP gene, results from an A to G substitution at nucleotide position 3119. The glutamic acid at codon 1040 is replaced by glycine, an amino acid with similar properties. This amino acid position is conserved. In addition, the in silico prediction for this alteration is inconclusive. Since supporting evidence is limited at this time, the clinical significance of this alteration remains unclear.

Laboratory for Molecular Medicine, Mass General Brigham Personalized Medicine
Classification: Uncertain significance. Last evaluated: 2014-07-03. Review status: criteria provided, single submitter. Criteria: LMM Criteria. Collection method: clinical testing. Allele origin: germline. Observed: 1 variant allele.
Comment: The Glu1040Gly variant in DSP has not been previously reported in individuals wi th cardiomyopathy or in large population studies. Computational prediction tools and conservation analysis suggest that this variant may impact the protein, tho ugh this information is not predictive enough to determine pathogenicity. In sum mary, the clinical significance of the Glu1040Gly variant is uncertain.

NM_004415.4(DSP):c.3119A>G (p.Glu1040Gly)

Gene: DSP (desmoplakin; plus strand). Cytogenetic location: 6p24.3.
Variant type: single nucleotide variant.
Coding change: c.3119A>G on transcript NM_004415.4 (MANE Select); coding-DNA position 3119, A replaced by G.
Protein change: p.Glu1040Gly; replaces glutamic acid 1040 with glycine.
Molecular consequence: missense variant.
Genome position (GRCh38, 1-based): chr6:7,579,309, A>G. VCF-style: chr6-7579309-A-G. GRCh37 (hg19) VCF-style: chr6-7579542-A-G.
Other names: c.3119A>G, p.Glu1040Gly (NM_001008844.3, NM_001319034.2); short protein forms E1040G.
Identifiers: ClinVar variation 179816 (VCV000179816.6), dbSNP rs727505147, ClinGen allele CA005729.